The following is an entry in ClinVar:

NM_005506.4(SCARB2):c.276-7_276-5del

Gene: SCARB2 (scavenger receptor class B member 2; minus strand). Cytogenetic location: 4q21.1.
Variant type: Deletion.
Coding change: c.276-7_276-5del on transcript NM_005506.4 (MANE Select); 7 bases into the intron before coding-DNA position 276 through 5 bases into the intron before coding-DNA position 276, 3 bases deleted (CTT; older notation c.276-7_276-5delCTT).
Molecular consequence: intron variant.
Genome position (GRCh38, 1-based): chr4:76,181,106-76,181,108, AAG deleted on the plus strand (CTT on the coding strand, the reverse complement: SCARB2 is on the minus strand); deleting any 3 consecutive bases within chr4:76,181,106-76,181,110 gives the same sequence; the c. name uses the placement nearest the transcript's 3' end. VCF-style (leftmost placement, unchanged base first): chr4-76181105-AAAG-A. GRCh37 (hg19) VCF-style: chr4-77102258-AAAG-A.
Other names: c.276-5198_276-5196del (NM_001204255.2).
Identifiers: ClinVar variation 2080764 (VCV002080764.5), dbSNP rs1388493177, ClinGen allele CA798535692.

ClinVar aggregate classification (germline): Conflicting classifications of pathogenicity. Review status: criteria provided, conflicting classifications (1 of 4 stars). 2 submissions from 2 submitters: Uncertain significance (1); Likely benign (1). Last evaluated 2023-08-04.

Conditions:
Progressive myoclonic epilepsy. Also called: Myoclonus epilepsy; Familial progressive myoclonic epilepsy; Progressive myoclonus epilepsy; Myoclonic Epilepsies, Progressive. Identifiers: Orphanet 308, Orphanet 98261, MedGen C0751778, MONDO:0020074.
Action myoclonus-renal failure syndrome. Also called: MYOCLONUS-NEPHROPATHY SYNDROME; SCARB2-Related Action Myoclonus-Renal Failure Syndrome; EPILEPSY, PROGRESSIVE MYOCLONIC, 4, WITH RENAL FAILURE; EPILEPSY, PROGRESSIVE MYOCLONIC, 4, WITHOUT RENAL FAILURE. Identifiers: Orphanet 163696, MedGen C0751779, MeSH D020191, MONDO:0009699, OMIM 254900.

Submissions (2):

Labcorp Genetics (formerly Invitae), Labcorp
Classification: Likely benign for Progressive myoclonic epilepsy. Last evaluated: 2023-08-04. Review status: criteria provided, single submitter. Criteria: Invitae Variant Classification Sherloc (09022015). Collection method: clinical testing. Allele origin: germline.

Laboratorio de Genetica e Diagnostico Molecular, Hospital Israelita Albert Einstein
Classification: Uncertain significance for Action myoclonus-renal failure syndrome. Last evaluated: 2023-01-05. Review status: criteria provided, single submitter. Criteria: ACMG Guidelines, 2015. Collection method: clinical testing. Allele origin: germline. Affected: yes. Observed: 1 variant allele.
Comment: ACMG classification criteria: PM2 moderated